The following is an entry in ClinVar:

ClinVar aggregate classification (germline): Conflicting classifications of pathogenicity. Review status: criteria provided, conflicting classifications (1 of 4 stars). 4 submissions from 4 submitters: Uncertain significance (2); Likely benign (1). 1 of the submissions does not count toward it. Last evaluated 2026-02-03.

Conditions:
Inborn genetic diseases. Identifiers: MedGen C0950123, MeSH D030342.
Early-infantile DEE. Also called: Early infantile epileptic encephalopathy with suppression bursts; Early infantile epileptic encephalopathy; Ohtahara syndrome. Identifiers: Orphanet 1934, MedGen C0393706, MONDO:0800491.
SCN1A-related disorder. Also called: SCN1A-related disorders; SCN1A-related conditions; SCN1A-related condition.

Allele frequency attached by ClinVar (database versions not stated): ExAC 0.00004; gnomAD exomes 0.00004; ESP Exome Variant Server 0.00008; gnomAD 0.00009; TOPMed 0.00010; 1000 Genomes Project 30x 0.00016; 1000 Genomes Project 0.00020.
gnomAD v4.1: 30 of 1,614,184 alleles (0.0019%); highest among the groups gnomAD compares: African/African-American, 0.028%; no homozygotes.

Submissions (4):

Labcorp Genetics (formerly Invitae), Labcorp
Classification: Uncertain significance for Early-infantile DEE. Last evaluated: 2026-02-03. Review status: criteria provided, single submitter. Criteria: Invitae Variant Classification Sherloc (09022015). Collection method: clinical testing. Allele origin: germline.
Comment: This sequence change replaces arginine, which is basic and polar, with threonine, which is neutral and polar, at codon 605 of the SCN1A protein (p.Arg605Thr). This variant is present in population databases (rs374501252, gnomAD 0.04%). This variant has not been reported in the literature in individuals affected with SCN1A-related conditions. ClinVar contains an entry for this variant (Variation ID: 206776). Invitae Evidence Modeling of protein sequence and biophysical properties (such as structural, functional, and spatial information, amino acid conservation, physicochemical variation, residue mobility, and thermodynamic stability) indicates that this missense variant is expected to disrupt SCN1A protein function with a positive predictive value of 95%. In summary, the available evidence is currently insufficient to determine the role of this variant in disease. Therefore, it has been classified as a Variant of Uncertain Significance.

GeneDx
Classification: Uncertain significance. Last evaluated: 2022-09-14. Review status: criteria provided, single submitter. Criteria: GeneDx Variant Classification Process June 2021. Collection method: clinical testing. Allele origin: germline. Affected: yes.
Comment: Missense variants in this gene are often considered pathogenic (HGMD); In silico analysis supports that this missense variant has a deleterious effect on protein structure/function; Has not been previously published as pathogenic or benign to our knowledge; This substitution is predicted to be in the cytoplasmic loop between the first and second homologous domains; This variant is associated with the following publications: (PMID: 32031527)

Ambry Genetics
Classification: Likely benign for Inborn genetic diseases. Last evaluated: 2019-03-21. Review status: criteria provided, single submitter. Criteria: Ambry Variant Classification Scheme 2023. Collection method: clinical testing. Allele origin: germline.

PreventionGenetics, part of Exact Sciences
Classification: Likely benign for SCN1A-related condition. Last evaluated: 2024-07-11. Review status: no assertion criteria provided. Collection method: clinical testing. Allele origin: germline. Not counted in ClinVar's aggregate classification.
Comment: This variant is classified as likely benign based on ACMG/AMP sequence variant interpretation guidelines (Richards et al. 2015 PMID: 25741868, with internal and published modifications).

NM_001165963.4(SCN1A):c.1814G>C (p.Arg605Thr)

Gene: SCN1A (sodium voltage-gated channel alpha subunit 1; minus strand). Cytogenetic location: 2q24.3.
Variant type: single nucleotide variant.
Coding change: c.1814G>C on transcript NM_001165963.4 (MANE Select); coding-DNA position 1814, G replaced by C.
Protein change: p.Arg605Thr; replaces arginine 605 with threonine.
Molecular consequence: missense variant. On other transcripts: 5 prime UTR variant (1), non-coding transcript variant (1).
Genome position (GRCh38, 1-based): chr2:166,043,898, C>G on the plus strand (G>C on the coding strand, the complement: SCN1A is on the minus strand). VCF-style: chr2-166043898-C-G. GRCh37 (hg19) VCF-style: chr2-166900408-C-G.
Other names: p.R605T:AGA>ACA; c.1814G>C, p.Arg605Thr (NM_001165964.3, NM_001202435.3, NM_001353948.2 and 7 more transcripts); c.1811G>C, p.Arg604Thr (NM_001353954.2, NM_001353955.2, NM_001353960.2); c.-612G>C (NM_001353961.2); c.1814G>C (NM_001202435.1); short protein forms R605T, R604T.
Identifiers: ClinVar variation 206776 (VCV000206776.16), dbSNP rs374501252, ClinGen allele CA317269.
Genomic context (GRCh38, chr2:166,043,898, plus strand): 5'-GTCTGACTCAGGTTGCTGTTGCGTCTCTCTCCGTGTCGTCGGGGCACAAACAAGGAATCT[C>G]TACGGCTCTCGTTATCCTCAAAGGTGCTGTGCTCATCATCTGCGAAGTCGTTCTCAGATC-3'
Protein context (NP_001159435.1, residues 595-615): HSTFEDNESR[Arg605Thr]DSLFVPRRHG